The following is an entry in ClinVar:

ClinVar aggregate classification (germline): Uncertain significance (1 of 4 stars; one submission).

Conditions:
Congenital disorder of glycosylation, type Iaa. Also called: Congenital disorder of glycosylation, type 1aa. Identifiers: MedGen C4310727, MONDO:0014904, OMIM 617082.

Submission:

Labcorp Genetics (formerly Invitae), Labcorp
Classification: Uncertain significance for Congenital disorder of glycosylation, type Iaa. Last evaluated: 2024-09-29. Review status: criteria provided, single submitter. Criteria: Invitae Variant Classification Sherloc (09022015). Collection method: clinical testing. Allele origin: germline.
Comment: This sequence change replaces tryptophan, which is neutral and slightly polar, with glycine, which is neutral and non-polar, at codon 87 of the NUS1 protein (p.Trp87Gly). This variant is not present in population databases (gnomAD no frequency). This variant has not been reported in the literature in individuals affected with NUS1-related conditions. An algorithm developed to predict the effect of missense changes on protein structure and function (PolyPhen-2) suggests that this variant is likely to be tolerated. In summary, the available evidence is currently insufficient to determine the role of this variant in disease. Therefore, it has been classified as a Variant of Uncertain Significance.

NM_138459.5(NUS1):c.259T>G (p.Trp87Gly)

Gene: NUS1 (NUS1 dehydrodolichyl diphosphate synthase subunit; plus strand). Cytogenetic location: 6q22.1.
Variant type: single nucleotide variant.
Coding change: c.259T>G on transcript NM_138459.5 (MANE Select); coding-DNA position 259, T replaced by G.
Protein change: p.Trp87Gly; replaces tryptophan 87 with glycine.
Molecular consequence: missense variant.
Genome position (GRCh38, 1-based): chr6:117,675,929, T>G. VCF-style: chr6-117675929-T-G. GRCh37 (hg19) VCF-style: chr6-117997092-T-G.
Other names: short protein forms W87G.
Identifiers: ClinVar variation 3721758 (VCV003721758.2).
Genomic context (GRCh38, chr6:117,675,929, plus strand): 5'-CGTCACCACCGGCACCCGCGCGGGGGGTCGTGCCTGGCAGCCGCACACCACCGGATGCGC[T>G]GGCGCGCGGACGGTCGTTCCTTGGAGAAGCTGCCTGTGCATATGGGCCTGGTGATCACCG-3'
Protein context (NP_612468.1, residues 77-97): CLAAAHHRMR[Trp87Gly]RADGRSLEKL